The following is an entry in ClinVar:

NM_006074.5(TRIM22):c.1364C>A (p.Ser455Ter)

Gene: TRIM22 (tripartite motif containing 22; plus strand). Cytogenetic location: 11p15.4.
Variant type: single nucleotide variant.
Coding change: c.1364C>A on transcript NM_006074.5 (MANE Select); coding-DNA position 1364, C replaced by A.
Protein change: p.Ser455Ter; replaces serine 455 with a stop codon.
Molecular consequence: nonsense.
Genome position (GRCh38, 1-based): chr11:5,709,515, C>A. VCF-style: chr11-5709515-C-A. GRCh37 (hg19) VCF-style: chr11-5730745-C-A.
Other names: c.1352C>A, p.Ser451Ter (NM_001199573.2); short protein forms S451*, S455*.
Identifiers: ClinVar variation 3040589 (VCV003040589.4), dbSNP rs61735328, ClinGen allele CA5846105.

ClinVar aggregate classification (germline): Benign/Likely benign. Review status: criteria provided, multiple submitters, no conflicts (2 of 4 stars). 3 submissions from 3 submitters: Benign (1); Likely benign (1). 1 of the submissions does not count toward it. Last evaluated 2025-06-16.

Conditions:
TRIM22-related disorder. Also called: TRIM22-related condition.

Allele frequency attached by ClinVar (database versions not stated): ESP Exome Variant Server 0.00139; gnomAD 0.00145; 1000 Genomes Project 0.00200; TOPMed 0.00202; 1000 Genomes Project 30x 0.00234.
gnomAD v4.1: 488 of 1,614,172 alleles (0.03%); highest among the groups gnomAD compares: African/African-American, 0.59%; 2 homozygotes.

Submissions (3):

Women's Health and Genetics/Laboratory Corporation of America, LabCorp
Classification: Benign. Last evaluated: 2025-06-16. Review status: criteria provided, single submitter. Criteria: LabCorp Variant Classification Summary - May 2015. Collection method: clinical testing. Allele origin: germline.
Comment: Variant summary: TRIM22 c.1364C>A (p.Ser455X) results in a premature termination codon, predicted to cause a truncation of the encoded protein or absence of the protein due to nonsense mediated decay, however current evidence is not sufficient to establish loss of function as a mechanism for disease. The variant allele was found at a frequency of 0.00039 in 251390 control chromosomes, predominantly at a frequency of 0.0055 within the African or African-American subpopulation in the gnomAD database, including 1 homozygote. The observed variant frequency within African or African-American control individuals in the gnomAD database exceeds the estimated maximal expected allele frequency for a pathogenic variant in TRIM22 causing TRIM22-related inflammatory bowel disease phenotype. To our knowledge, no occurrence of c.1364C>A in individuals affected with TRIM22-related inflammatory bowel disease and no experimental evidence demonstrating its impact on protein function have been reported. ClinVar contains an entry for this variant (Variation ID: 3040589). Based on the evidence outlined above, the variant was classified as benign.

Blueprint Genetics
Classification: Likely benign. Last evaluated: 2024-07-01. Review status: criteria provided, single submitter. Criteria: ACMG Guidelines, 2015. Collection method: clinical testing. Allele origin: germline.

PreventionGenetics, part of Exact Sciences
Classification: Likely benign for TRIM22-related condition. Last evaluated: 2023-06-16. Review status: no assertion criteria provided. Collection method: clinical testing. Allele origin: germline. Not counted in ClinVar's aggregate classification.
Comment: This variant is classified as likely benign based on ACMG/AMP sequence variant interpretation guidelines (Richards et al. 2015 PMID: 25741868, with internal and published modifications).